The following is an entry in ClinVar:

NM_001378615.1(CC2D2A):c.715del (p.Met239fs)

Genes: CC2D2A (coiled-coil and C2 domain containing 2A; plus strand), FBXL5 (F-box and leucine rich repeat protein 5; minus strand). Cytogenetic location: 4p15.32.
Variant type: Deletion.
Coding change: c.715del on transcript NM_001378615.1 (MANE Select); coding-DNA position 715, one base deleted (A; older notation c.715delA).
Protein change: p.Met239fs; shifts the reading frame from methionine 239.
Molecular consequence: frameshift variant.
Genome position (GRCh38, 1-based): chr4:15,511,421, A deleted; the last of 3 consecutive A bases (chr4:15,511,419-15,511,421); deleting any one gives the same sequence. VCF-style (leftmost placement, unchanged base first): chr4-15511418-GA-G. GRCh37 (hg19) VCF-style: chr4-15513041-GA-G.
Other names: c.715del, p.Met239fs (NM_001080522.2); c.568del, p.Met190fs (NM_001378617.1); short protein forms M190fs, M239fs.
Identifiers: ClinVar variation 2934877 (VCV002934877.7), dbSNP rs754985710, ClinGen allele CA92510049.

ClinVar aggregate classification (germline): Pathogenic/Likely pathogenic. Review status: criteria provided, multiple submitters, no conflicts (2 of 4 stars). 4 submissions from 4 submitters: Pathogenic (3); Likely pathogenic (1). Last evaluated 2024-09-02.

Conditions:
COACH syndrome 2. Identifiers: MedGen C5436837, MONDO:0030859, OMIM 619111.
Meckel syndrome, type 6. Identifiers: Orphanet 564, MedGen C2676790, MONDO:0012848, OMIM 612284.
Joubert syndrome 9 (JBTS9). Identifiers: Orphanet 2318, MedGen C2676788, MONDO:0012849, OMIM 612285.
Retinitis pigmentosa 93. Identifiers: MedGen C5676970, MONDO:0030797, OMIM 619845.
Joubert syndrome and related disorders. Identifiers: Orphanet 140874, MedGen C5679612, MONDO:0015369.
Joubert syndrome. Also called: JOUBERT-BOLTSHAUSER SYNDROME; Familial aplasia of the vermis. Identifiers: Orphanet 475, MedGen C5979921, MONDO:0018772.
Meckel-Gruber syndrome. Also called: DYSENCEPHALIA SPLANCHNOCYSTICA; GRUBER SYNDROME; Dysencephalia splachnocystica. Identifiers: Orphanet 564, MedGen C0265215, MONDO:0018921.

Submissions (4):

Myriad Genetics, Inc.
Classification: Pathogenic for Joubert syndrome and related disorders. Last evaluated: 2024-09-02. Review status: criteria provided, single submitter. Criteria: Myriad Autosomal Dominant, Autosomal Recessive and X-Linked Classification Criteria (2023). Collection method: clinical testing. Allele origin: unknown.
Comment: NM_001080522.2(CC2D2A):c.715delA(M239Wfs*19) is expected to be pathogenic in the context of CC2D2A-related disorders. This variant is predicted to lead to an abnormal or absent protein product due to the creation of a premature termination codon in CC2D2A, a gene where loss-of-function variants are known to be pathogenic. Please note: this variant was assessed in the context of healthy population screening.

Labcorp Genetics (formerly Invitae), Labcorp
Classification: Pathogenic for Joubert syndrome; Meckel-Gruber syndrome. Last evaluated: 2024-05-15. Review status: criteria provided, single submitter. Criteria: Invitae Variant Classification Sherloc (09022015). Collection method: clinical testing. Allele origin: germline.
Comment: This sequence change creates a premature translational stop signal (p.Met239Trpfs*19) in the CC2D2A gene. It is expected to result in an absent or disrupted protein product. Loss-of-function variants in CC2D2A are known to be pathogenic (PMID: 19777577). This variant is present in population databases (rs754985710, gnomAD 0.009%). This variant has not been reported in the literature in individuals affected with CC2D2A-related conditions. For these reasons, this variant has been classified as Pathogenic.

Fulgent Genetics
Classification: Likely pathogenic for Meckel syndrome, type 6; Joubert syndrome 9; COACH syndrome 2; Retinitis pigmentosa 93. Last evaluated: 2024-01-24. Review status: criteria provided, single submitter. Criteria: ACMG Guidelines, 2015. Collection method: clinical testing. Allele origin: germline.

Juno Genomics, Hangzhou Juno Genomics, Inc
Classification: Pathogenic for COACH syndrome 2; Joubert syndrome 9; Meckel syndrome, type 6; Retinitis pigmentosa 93. Review status: criteria provided, single submitter. Criteria: ACMG Guidelines, 2015. Collection method: clinical testing. Allele origin: germline. Affected: yes.
Comment: Null variant in a gene where loss of function (LOF) is a known mechanism of disease.;Absent from controls (or at extremely low frequency if recessive) in Genome Aggregation Database, Exome Sequencing Project, 1000 Genomes Project, or Exome Aggregation Consortium.;Patient's phenotype or family history is highly specific for a disease with a single genetic etiology.

Literature cited by the submitters: PubMed 19777577 (cited by Labcorp Genetics (formerly Invitae), Labcorp).